The following is an entry in ClinVar:

ClinVar aggregate classification (germline): Uncertain significance (1 of 4 stars; one submission).

Allele frequency attached by ClinVar (database versions not stated): gnomAD exomes 0.00002; TOPMed 0.00002; gnomAD 0.00004; ExAC 0.00007; 1000 Genomes Project 30x 0.00016; 1000 Genomes Project 0.00020.
gnomAD v4.1: 30 of 1,613,662 alleles (0.0019%); highest among the groups gnomAD compares: Non-Finnish European, 0.0022%; no homozygotes.

Submission:

Labcorp Genetics (formerly Invitae), Labcorp
Classification: Uncertain significance. Last evaluated: 2022-07-17. Review status: criteria provided, single submitter. Criteria: Invitae Variant Classification Sherloc (09022015). Collection method: clinical testing. Allele origin: germline.
Comment: In summary, the available evidence is currently insufficient to determine the role of this variant in disease. Therefore, it has been classified as a Variant of Uncertain Significance. Algorithms developed to predict the effect of missense changes on protein structure and function are either unavailable or do not agree on the potential impact of this missense change (SIFT: "Tolerated"; PolyPhen-2: "Probably Damaging"; Align-GVGD: "Class C15"). This variant has not been reported in the literature in individuals affected with CEP135-related conditions. This variant is present in population databases (rs202222680, gnomAD 0.009%). This sequence change replaces histidine, which is basic and polar, with tyrosine, which is neutral and polar, at codon 332 of the CEP135 protein (p.His332Tyr).

NM_025009.5(CEP135):c.994C>T (p.His332Tyr)

Gene: CEP135 (centrosomal protein 135; plus strand). Cytogenetic location: 4q12.
Variant type: single nucleotide variant.
Coding change: c.994C>T on transcript NM_025009.5 (MANE Select); coding-DNA position 994, C replaced by T.
Protein change: p.His332Tyr; replaces histidine 332 with tyrosine.
Molecular consequence: missense variant.
Genome position (GRCh38, 1-based): chr4:55,965,809, C>T. VCF-style: chr4-55965809-C-T. GRCh37 (hg19) VCF-style: chr4-56831975-C-T.
Other names: short protein forms H332Y.
Identifiers: ClinVar variation 2414580 (VCV002414580.4), dbSNP rs202222680, ClinGen allele CA2927722.
Genomic context (GRCh38, chr4:55,965,809, plus strand): 5'-AATGAAAAACTCTGCCAAGAATTAACTGAAATAGATCAGTTAGCACAGCAGTTGGAAAGA[C>T]ATAAAGAAGAAGTGCTTGAGACTGCTGATAAAGAGCTTGGGGAAGCAAAGGTAATGAATG-3'
Protein context (NP_079285.2, residues 322-342): IDQLAQQLER[His332Tyr]KEEVLETADK